The following is an entry in ClinVar:

NM_015488.5(PNKD):c.646G>A (p.Val216Met)

Genes: CATIP-AS2 (CATIP antisense RNA 2; minus strand), PNKD (PNKD metallo-beta-lactamase domain containing; plus strand). Cytogenetic location: 2q35.
Variant type: single nucleotide variant.
Coding change: c.646G>A on transcript NM_015488.5 (MANE Select); coding-DNA position 646, G replaced by A.
Protein change: p.Val216Met; replaces valine 216 with methionine.
Molecular consequence: missense variant.
Genome position (GRCh38, 1-based): chr2:218,342,009, G>A. VCF-style: chr2-218342009-G-A. GRCh37 (hg19) VCF-style: chr2-219206732-G-A.
Other names: c.574G>A, p.Val192Met (NM_022572.5); short protein forms V192M, V216M.
Identifiers: ClinVar variation 1405342 (VCV001405342.9), dbSNP rs771841680, ClinGen allele CA2104052.

ClinVar aggregate classification (germline): Conflicting classifications of pathogenicity. Review status: criteria provided, conflicting classifications (1 of 4 stars). 2 submissions from 2 submitters: Uncertain significance (1); Likely benign (1). Last evaluated 2026-06-11.

Conditions:
Paroxysmal nonkinesigenic dyskinesia. Also called: Paroxysmal non-kinesigenic dyskinesia. Identifiers: Orphanet 98810, MedGen C1869117, MONDO:0700088.

Allele frequency attached by ClinVar (database versions not stated): gnomAD 0.00001; TOPMed 0.00003; gnomAD exomes 0.00006; ExAC 0.00007.
gnomAD v4.1: 30 of 1,613,714 alleles (0.0019%); highest among the groups gnomAD compares: Admixed American, 0.022%; no homozygotes.

Submissions (2):

Women's Health and Genetics/Laboratory Corporation of America, LabCorp
Classification: Likely benign. Last evaluated: 2026-06-11. Review status: criteria provided, single submitter. Criteria: LabCorp Variant Classification Summary - May 2015. Collection method: clinical testing. Allele origin: germline.
Comment: Variant summary: PNKD c.646G>A (p.Val216Met) results in a conservative amino acid change in the encoded protein sequence. Algorithms developed to predict the effect of missense changes on protein structure and function are either unavailable or do not agree on the potential impact of this missense change. The variant allele was found at a frequency of 5.6e-05 in 251404 control chromosomes. The observed variant frequency exceeds the estimated maximal expected allele frequency for disease-causing variants in PNKD. To our knowledge, no occurrence of c.646G>A in individuals affected with PNKD-related conditions and no experimental evidence demonstrating its impact on protein function have been reported. ClinVar contains an entry for this variant (Variation ID: 1405342). Based on the evidence outlined above, the variant was classified as likely benign.

Labcorp Genetics (formerly Invitae), Labcorp
Classification: Uncertain significance for Paroxysmal nonkinesigenic dyskinesia. Last evaluated: 2025-09-11. Review status: criteria provided, single submitter. Criteria: Invitae Variant Classification Sherloc (09022015). Collection method: clinical testing. Allele origin: germline.
Comment: This sequence change replaces valine, which is neutral and non-polar, with methionine, which is neutral and non-polar, at codon 216 of the PNKD protein (p.Val216Met). This variant is present in population databases (rs771841680, gnomAD 0.03%), and has an allele count higher than expected for a pathogenic variant. This variant has not been reported in the literature in individuals affected with PNKD-related conditions. ClinVar contains an entry for this variant (Variation ID: 1405342). Invitae Evidence Modeling of protein sequence and biophysical properties (such as structural, functional, and spatial information, amino acid conservation, physicochemical variation, residue mobility, and thermodynamic stability) indicates that this missense variant is not expected to disrupt PNKD protein function with a negative predictive value of 80%. In summary, the available evidence is currently insufficient to determine the role of this variant in disease. Therefore, it has been classified as a Variant of Uncertain Significance.